The following is an entry in ClinVar:

ClinVar aggregate classification (germline): Uncertain significance (1 of 4 stars; one submission).

Conditions:
Familial adenomatous polyposis 1 (FAP1). Also called: POLYPOSIS, ADENOMATOUS INTESTINAL; FAMILIAL ADENOMATOUS POLYPOSIS 1, ATTENUATED. Identifiers: MedGen C2713442, MONDO:0021056, OMIM 175100. Disease mechanism: loss of function.

Submission:

Labcorp Genetics (formerly Invitae), Labcorp
Classification: Uncertain significance for Familial adenomatous polyposis 1. Last evaluated: 2022-05-15. Review status: criteria provided, single submitter. Criteria: Invitae Variant Classification Sherloc (09022015). Collection method: clinical testing. Allele origin: germline.
Comment: Algorithms developed to predict the effect of missense changes on protein structure and function (SIFT, PolyPhen-2, Align-GVGD) all suggest that this variant is likely to be tolerated. In summary, the available evidence is currently insufficient to determine the role of this variant in disease. Therefore, it has been classified as a Variant of Uncertain Significance. This variant has not been reported in the literature in individuals affected with APC-related conditions. This variant is not present in population databases (gnomAD no frequency). This sequence change replaces glutamine, which is neutral and polar, with proline, which is neutral and non-polar, at codon 1928 of the APC protein (p.Gln1928Pro).

NM_000038.6(APC):c.5783A>C (p.Gln1928Pro)

Gene: APC (APC regulator of Wnt signaling pathway; plus strand). Cytogenetic location: 5q22.2.
Variant type: single nucleotide variant.
Coding change: c.5783A>C on transcript NM_000038.6 (MANE Select); coding-DNA position 5783, A replaced by C.
Protein change: p.Gln1928Pro; replaces glutamine 1928 with proline.
Molecular consequence: missense variant.
Genome position (GRCh38, 1-based): chr5:112,841,377, A>C. VCF-style: chr5-112841377-A-C. GRCh37 (hg19) VCF-style: chr5-112177074-A-C.
Other names: c.5783A>C, p.Gln1928Pro (NM_001127510.3, NM_001354895.2, NM_001407450.1); c.5729A>C, p.Gln1910Pro (NM_001127511.3); c.5837A>C, p.Gln1946Pro (NM_001354896.2, NM_001407447.1, NM_001407448.1 and 1 more transcripts); c.5813A>C, p.Gln1938Pro (NM_001354897.2); c.5708A>C, p.Gln1903Pro (NM_001354898.2); c.5699A>C, p.Gln1900Pro (NM_001354899.2); c.5660A>C, p.Gln1887Pro (NM_001354900.2); c.5606A>C, p.Gln1869Pro (NM_001354901.2, NM_001407453.1); and 11 more; short protein forms Q1645P, Q1827P, Q1837P, Q1845P, Q1921P, Q1928P, Q1768P, Q1799P.
Identifiers: ClinVar variation 1994760 (VCV001994760.4), dbSNP rs2149949104, ClinGen allele CA16033982.